The following is an entry in ClinVar:

NM_003873.7(NRP1):c.2106G>T (p.Lys702Asn)

Gene: NRP1 (neuropilin 1; minus strand). Cytogenetic location: 10p11.22.
Variant type: single nucleotide variant.
Coding change: c.2106G>T on transcript NM_003873.7 (MANE Select); coding-DNA position 2106, G replaced by T.
Protein change: p.Lys702Asn; replaces lysine 702 with asparagine.
Molecular consequence: missense variant. On other transcripts: non-coding transcript variant (1).
Genome position (GRCh38, 1-based): chr10:33,186,445, C>A on the plus strand (G>T on the coding strand, the complement: NRP1 is on the minus strand). VCF-style: chr10-33186445-C-A. GRCh37 (hg19) VCF-style: chr10-33475373-C-A.
Other names: c.2088G>T, p.Lys696Asn (NM_001244972.2); c.2085G>T, p.Lys695Asn (NM_001244973.2); c.2106G>T, p.Lys702Asn (NM_001330068.2); short protein forms K695N, K696N, K702N.
Identifiers: ClinVar variation 3344876 (VCV003344876.1).
Genomic context (GRCh38, chr10:33,186,445, plus strand): 5'-CATGCAGTGGGCAGAGTTCTGGGAATAAACCACAGGGCTCACCAGGCGAGCCACTTTGCC[C>A]TTCTGATTTTCGTCAGCTTGGGAATAGATGAAGTTGCCATCTCCTGCTGTGACAAAGAAC-3'
Protein context (NP_003864.5, residues 692-712): FIYSQADENQ[Lys702Asn]GKVARLVSPV

ClinVar aggregate classification (germline): Uncertain significance (0 of 4 stars; one submission).

Conditions:
NRP1-related disorder. Also called: NRP1-related condition.

Submission:

PreventionGenetics, part of Exact Sciences
Classification: Uncertain significance for NRP1-related condition. Last evaluated: 2024-09-25. Review status: no assertion criteria provided. Collection method: clinical testing. Allele origin: germline.
Comment: The NRP1 c.2106G>T variant is predicted to result in the amino acid substitution p.Lys702Asn. To our knowledge, this variant has not been reported in the literature or in a large population database, indicating this variant is rare. At this time, the clinical significance of this variant is uncertain due to the absence of conclusive functional and genetic evidence.